The following is an entry in ClinVar:

NM_000540.3(RYR1):c.1791G>T (p.Lys597Asn)

Gene: RYR1 (ryanodine receptor 1; plus strand). Cytogenetic location: 19q13.2.
Variant type: single nucleotide variant.
Coding change: c.1791G>T on transcript NM_000540.3 (MANE Select); coding-DNA position 1791, G replaced by T.
Protein change: p.Lys597Asn; replaces lysine 597 with asparagine.
Molecular consequence: missense variant.
Genome position (GRCh38, 1-based): chr19:38,455,751, G>T. VCF-style: chr19-38455751-G-T. GRCh37 (hg19) VCF-style: chr19-38946391-G-T.
Other names: c.1791G>T, p.Lys597Asn (NM_001042723.2); short protein forms K597N.
Identifiers: ClinVar variation 4684999 (VCV004684999.1).

ClinVar aggregate classification (germline): Likely pathogenic (1 of 4 stars; one submission).

Conditions:
Congenital multicore myopathy with external ophthalmoplegia (CMYO1B). Also called: MULTICORE MYOPATHY; Minicore myopathy with external ophthalmoplegia; MULTIMINICORE DISEASE WITH EXTERNAL OPHTHALMOPLEGIA; Congenital myopathy 1B, autosomal recessive; Minicore myopathy. Identifiers: Orphanet 598, Orphanet 98905, MedGen C1850674, MONDO:0009712, OMIM 255320, HP:0003789.

Submission:

Prenatal Diagnosis Unit, University Medical Center at Ho Chi Minh City, University of Medicine and Pharmacy at Ho Chi Minh City
Classification: Likely pathogenic for Congenital multicore myopathy with external ophthalmoplegia. Last evaluated: 2026-01-08. Review status: criteria provided, single submitter. Criteria: ACMG Guidelines, 2015. Collection method: provider interpretation. Allele origin: paternal. Inheritance: Autosomal recessive inheritance. Affected: yes. Observed: 1 variant allele.
Comment: This variant has been identified in 8/251288 chromosomes in the general population by the Genome Aggregation Database (gnomAD), which means extremely low in autosomal recessive disorders. This missense variant located in combined MH/CCD Hotspot Domain 1 of RYR1 gene (PMID:23919265) and suggested a deleterious effect of this missense change in several silico prediction tools. Missense variants in RYR1 gene are a common mechanism of congenital myopathy with a missense constraint Z score is 4.01. In conclusion, this variant is classified as a likely pathogenic variant according to the ACMG/AMP 2015 guidelines, based on criteria PM1, PM2, PM3, PP2, PP3, PP4

Literature cited by the submitters: PubMed 23919265.